The following is an entry in ClinVar:

ClinVar aggregate classification (germline): Uncertain significance. Review status: criteria provided, multiple submitters, no conflicts (2 of 4 stars). 2 submissions from 2 submitters: Uncertain significance (2). Last evaluated 2022-10-17.

Conditions:
Inborn genetic diseases. Identifiers: MedGen C0950123, MeSH D030342.

Allele frequency attached by ClinVar (database versions not stated): gnomAD exomes 0.00001; gnomAD 0.00003 and 0.00004; TOPMed 0.00003.
gnomAD v4.1: 24 of 1,613,916 alleles (0.0015%); highest among the groups gnomAD compares: African/African-American, 0.0067%; no homozygotes.

Submissions (2):

Labcorp Genetics (formerly Invitae), Labcorp
Classification: Uncertain significance. Last evaluated: 2022-10-17. Review status: criteria provided, single submitter. Criteria: Invitae Variant Classification Sherloc (09022015). Collection method: clinical testing. Allele origin: germline.
Comment: This sequence change replaces proline, which is neutral and non-polar, with arginine, which is basic and polar, at codon 561 of the COL9A1 protein (p.Pro561Arg). This variant is present in population databases (no rsID available, gnomAD 0.02%). This variant has not been reported in the literature in individuals affected with COL9A1-related conditions. ClinVar contains an entry for this variant (Variation ID: 1059304). Advanced modeling of protein sequence and biophysical properties (such as structural, functional, and spatial information, amino acid conservation, physicochemical variation, residue mobility, and thermodynamic stability) performed at Invitae indicates that this missense variant is not expected to disrupt COL9A1 protein function. In summary, the available evidence is currently insufficient to determine the role of this variant in disease. Therefore, it has been classified as a Variant of Uncertain Significance.

Ambry Genetics
Classification: Uncertain significance for Inborn genetic diseases. Last evaluated: 2021-10-27. Review status: criteria provided, single submitter. Criteria: Ambry Variant Classification Scheme 2023. Collection method: clinical testing. Allele origin: germline.

NM_001851.6(COL9A1):c.1682C>G (p.Pro561Arg)

Gene: COL9A1 (collagen type IX alpha 1 chain; minus strand). Cytogenetic location: 6q13.
Variant type: single nucleotide variant.
Coding change: c.1682C>G on transcript NM_001851.6 (MANE Select); coding-DNA position 1682, C replaced by G.
Protein change: p.Pro561Arg; replaces proline 561 with arginine.
Molecular consequence: missense variant. On other transcripts: non-coding transcript variant (1).
Genome position (GRCh38, 1-based): chr6:70,254,513, G>C on the plus strand (C>G on the coding strand, the complement: COL9A1 is on the minus strand). VCF-style: chr6-70254513-G-C. GRCh37 (hg19) VCF-style: chr6-70964216-G-C.
Other names: c.983C>G, p.Pro328Arg (NM_001377289.1); c.953C>G, p.Pro318Arg (NM_001377290.1, NM_078485.4); c.1682C>G (NM_001851.4); short protein forms P318R, P328R, P561R.
Identifiers: ClinVar variation 1059304 (VCV001059304.9), dbSNP rs982761741, ClinGen allele CA140868887.